The following is an entry in ClinVar:

NM_000170.3(GLDC):c.88T>A (p.Trp30Arg)

Gene: GLDC (glycine decarboxylase; minus strand). Cytogenetic location: 9p24.1.
Variant type: single nucleotide variant.
Coding change: c.88T>A on transcript NM_000170.3 (MANE Select); coding-DNA position 88, T replaced by A.
Protein change: p.Trp30Arg; replaces tryptophan 30 with arginine.
Molecular consequence: missense variant.
Genome position (GRCh38, 1-based): chr9:6,645,412, A>T on the plus strand (T>A on the coding strand, the complement: GLDC is on the minus strand). VCF-style: chr9-6645412-A-T. GRCh37 (hg19) VCF-style: chr9-6645412-A-T.
Other names: short protein forms W30R.
Identifiers: ClinVar variation 2013031 (VCV002013031.4), dbSNP rs2489162850, ClinGen allele CA372887224.

ClinVar aggregate classification (germline): Uncertain significance (1 of 4 stars; one submission).

Conditions:
Glycine encephalopathy. Also called: Nonketotic hyperglycinemia; Non-ketotic hyperglycinemia. Identifiers: Orphanet 407, MedGen C0751748, MONDO:0011612, HP:0008288.

Submission:

Labcorp Genetics (formerly Invitae), Labcorp
Classification: Uncertain significance for Glycine encephalopathy. Last evaluated: 2022-07-01. Review status: criteria provided, single submitter. Criteria: Invitae Variant Classification Sherloc (09022015). Collection method: clinical testing. Allele origin: germline.
Comment: In summary, the available evidence is currently insufficient to determine the role of this variant in disease. Therefore, it has been classified as a Variant of Uncertain Significance. Advanced modeling of protein sequence and biophysical properties (such as structural, functional, and spatial information, amino acid conservation, physicochemical variation, residue mobility, and thermodynamic stability) performed at Invitae indicates that this missense variant is not expected to disrupt GLDC protein function. This variant has not been reported in the literature in individuals affected with GLDC-related conditions. This variant is not present in population databases (gnomAD no frequency). This sequence change replaces tryptophan, which is neutral and slightly polar, with arginine, which is basic and polar, at codon 30 of the GLDC protein (p.Trp30Arg).